The following is an entry in ClinVar:

ClinVar aggregate classification (germline): Pathogenic (1 of 4 stars; one submission).

Conditions:
Developmental and epileptic encephalopathy, 12 (DEE12). Identifiers: MedGen C3150988, MONDO:0013389, OMIM 613722.

Submission:

Labcorp Genetics (formerly Invitae), Labcorp
Classification: Pathogenic for Developmental and epileptic encephalopathy, 12. Last evaluated: 2022-07-30. Review status: criteria provided, single submitter. Criteria: Invitae Variant Classification Sherloc (09022015). Collection method: clinical testing. Allele origin: germline.
Comment: This variant is not present in population databases (gnomAD no frequency). For these reasons, this variant has been classified as Pathogenic. This variant has not been reported in the literature in individuals affected with PLCB1-related conditions. This sequence change creates a premature translational stop signal (p.Arg561Lysfs*3) in the PLCB1 gene. It is expected to result in an absent or disrupted protein product. Loss-of-function variants in PLCB1 are known to be pathogenic (PMID: 24684524).

Literature cited by the submitters: PubMed 24684524.

NM_015192.4(PLCB1):c.1678dup (p.Arg561fs)

Gene: PLCB1 (phospholipase C beta 1; plus strand). Cytogenetic location: 20p12.3.
Variant type: Duplication.
Coding change: c.1678dup on transcript NM_015192.4 (MANE Select); coding-DNA position 1678, one base duplicated (A; older notation c.1678dupA).
Protein change: p.Arg561fs; shifts the reading frame from arginine 561.
Molecular consequence: frameshift variant.
Genome position (GRCh38, 1-based): chr20:8,724,752, A duplicated; the last of 5 consecutive A bases (chr20:8,724,748-8,724,752); duplicating any one gives the same sequence. VCF-style (leftmost placement, unchanged base first): chr20-8724747-C-CA. GRCh37 (hg19) VCF-style: chr20-8705394-C-CA.
Other names: c.1678dup, p.Arg561fs (NM_182734.3); short protein forms R561fs.
Identifiers: ClinVar variation 2020515 (VCV002020515.4), dbSNP rs2515281114, ClinGen allele CA2580098031.